The following is an entry in ClinVar:

NM_015665.6(AAAS):c.251G>C (p.Trp84Ser)

Gene: AAAS (aladin WD repeat nucleoporin; minus strand). Cytogenetic location: 12q13.13.
Variant type: single nucleotide variant.
Coding change: c.251G>C on transcript NM_015665.6 (MANE Select); coding-DNA position 251, G replaced by C.
Protein change: p.Trp84Ser; replaces tryptophan 84 with serine.
Molecular consequence: missense variant.
Genome position (GRCh38, 1-based): chr12:53,320,565, C>G on the plus strand (G>C on the coding strand, the complement: AAAS is on the minus strand). VCF-style: chr12-53320565-C-G. GRCh37 (hg19) VCF-style: chr12-53714349-C-G.
Other names: c.251G>C, p.Trp84Ser (NM_001173466.2); short protein forms W84S.
Identifiers: ClinVar variation 4687408 (VCV004687408.1).

ClinVar aggregate classification (germline): Uncertain significance (1 of 4 stars; one submission).

Submission:

Women's Health and Genetics/Laboratory Corporation of America, LabCorp
Classification: Uncertain significance. Last evaluated: 2025-10-09. Review status: criteria provided, single submitter. Criteria: LabCorp Variant Classification Summary - May 2015. Collection method: clinical testing. Allele origin: germline.
Comment: Variant summary: AAAS c.251G>C (p.Trp84Ser) results in a non-conservative amino acid change in the encoded protein sequence adjacent to a canonical splice donor site. Algorithms developed to predict the effect of missense changes on protein structure and function all suggest that this variant is likely to be disruptive. Several computational tools predict a significant impact on normal splicing: Two predict the variant abolishes the canonical 5' splicing donor site, two predict the variant weakens the 5' donor site. However, these predictions have yet to be confirmed by functional studies. The variant was absent in 251496 control chromosomes. The available data on variant occurrences in the general population are insufficient to allow any conclusion about variant significance. To our knowledge, no occurrence of c.251G>C in individuals affected with AAAS-related conditions and no experimental evidence demonstrating its impact on protein function have been reported. No submitters have cited clinical-significance assessments for this variant to ClinVar. Based on the evidence outlined above, the variant was classified as uncertain significance.